The following is an entry in ClinVar:

ClinVar aggregate classification (germline): Uncertain significance (1 of 4 stars; one submission).

Conditions:
RASopathy. Also called: rasopathies; Noonan spectrum disorder. Identifiers: Orphanet 536391, MedGen C5555857, MONDO:0021060.

Submission:

Labcorp Genetics (formerly Invitae), Labcorp
Classification: Uncertain significance for RASopathy. Last evaluated: 2022-11-08. Review status: criteria provided, single submitter. Criteria: Invitae Variant Classification Sherloc (09022015). Collection method: clinical testing. Allele origin: germline.
Comment: In summary, the available evidence is currently insufficient to determine the role of this variant in disease. Therefore, it has been classified as a Variant of Uncertain Significance. Advanced modeling of protein sequence and biophysical properties (such as structural, functional, and spatial information, amino acid conservation, physicochemical variation, residue mobility, and thermodynamic stability) performed at Invitae indicates that this missense variant is not expected to disrupt RAF1 protein function. This variant has not been reported in the literature in individuals affected with RAF1-related conditions. This variant is not present in population databases (gnomAD no frequency). This sequence change replaces glutamic acid, which is acidic and polar, with valine, which is neutral and non-polar, at codon 219 of the RAF1 protein (p.Glu219Val).

NM_002880.4(RAF1):c.656A>T (p.Glu219Val)

Gene: RAF1 (Raf-1 proto-oncogene, serine/threonine kinase; minus strand). Cytogenetic location: 3p25.2.
Variant type: single nucleotide variant.
Coding change: c.656A>T on transcript NM_002880.4 (MANE Select); coding-DNA position 656, A replaced by T.
Protein change: p.Glu219Val; replaces glutamic acid 219 with valine.
Molecular consequence: missense variant. On other transcripts: non-coding transcript variant (3), intron variant (2).
Genome position (GRCh38, 1-based): chr3:12,606,225, T>A on the plus strand (A>T on the coding strand, the complement: RAF1 is on the minus strand). VCF-style: chr3-12606225-T-A. GRCh37 (hg19) VCF-style: chr3-12647724-T-A.
Other names: c.656A>T, p.Glu219Val (NM_001354689.3, NM_001354690.3); c.413A>T, p.Glu138Val (NM_001354691.3, NM_001354692.3, NM_001354694.3); c.339-1936A>T (NM_001354695.3); c.582-1936A>T (NM_001354693.3); short protein forms E138V, E219V.
Identifiers: ClinVar variation 1714239 (VCV001714239.5), dbSNP rs2125406498, ClinGen allele CA351514372.
Genomic context (GRCh38, chr3:12,606,225, plus strand): 5'-AACTTTCTAAAAGAAAAGCTATAGGTAAAAAATTACCTAACAGGCATCCTGGAAACAGAC[T>A]CTCGCATACGACGCATAGTCAAAGAAGGTAGTGCTGGGACTCCACTATCACCAATAGTGG-3'
Protein context (NP_002871.1, residues 209-229): LPSLTMRRMR[Glu219Val]SVSRMPVSSQ